The following is an entry in ClinVar:

NM_000371.4(TTR):c.193G>T (p.Ala65Ser)

Gene: TTR (transthyretin; plus strand). Cytogenetic location: 18q12.1.
Variant type: single nucleotide variant.
Coding change: c.193G>T on transcript NM_000371.4 (MANE Select); coding-DNA position 193, G replaced by T.
Protein change: p.Ala65Ser; replaces alanine 65 with serine.
Molecular consequence: missense variant.
Genome position (GRCh38, 1-based): chr18:31,593,019, G>T. VCF-style: chr18-31593019-G-T. GRCh37 (hg19) VCF-style: chr18-29172982-G-T.
Other names: short protein forms A65S.
Identifiers: ClinVar variation 4840856 (VCV004840856.1).
Genomic context (GRCh38, chr18:31,593,019, plus strand): 5'-GCCATCAATGTGGCCGTGCATGTGTTCAGAAAGGCTGCTGATGACACCTGGGAGCCATTT[G>T]CCTCTGGGTAAGTTGCCAAAGAACCCTCCCACAGGACTTGGTTTTATCTTCCCGTTTGCC-3'
Protein context (NP_000362.1, residues 55-75): KAADDTWEPF[Ala65Ser]SGKTSESGEL

ClinVar aggregate classification (germline): Likely pathogenic (1 of 4 stars; one submission).

Conditions:
Cardiovascular phenotype. Identifiers: MedGen CN230736.

Submission:

Ambry Genetics
Classification: Likely pathogenic for Cardiovascular phenotype. Last evaluated: 2026-02-18. Review status: criteria provided, single submitter. Criteria: Ambry Variant Classification Scheme 2023. Collection method: clinical testing. Allele origin: germline.
Comment: The p.A65S variant (also known as c.193G>T), located in coding exon 2 of the TTR gene, results from a G to T substitution at nucleotide position 193. The alanine at codon 65 is replaced by serine, an amino acid with similar properties. This variant was reported in individual(s) with features consistent with transthyretin-related amyloidosis (Janunger T et al. Amyloid, 2000 Jun;7:137-40; Suhr OB et al. Amyloid, 2009 Dec;16:208-14; Ihse E et al. Amyloid, 2013 Sep;20:142-50; Suhr OB et al. Transplantation, 2016 Feb;100:373-81; M&uuml;llertz KM et al. Amyloid, 2017 Mar;24:70-71; Gonz&aacute;lez-Moreno J et al. Cardiol Ther, 2024 Mar;13:117-135). Note, this variant is also referred to as p.A45S in the literature. This amino acid position is highly conserved in available vertebrate species. In addition, this alteration is predicted to be deleterious by in silico analysis. This variant is considered to be rare based on population cohorts in the Genome Aggregation Database (gnomAD). Based on the majority of available evidence to date, this variant is likely to be pathogenic.

Literature cited by the submitters: PubMed 10842718; PubMed 19922332; PubMed 23713495; PubMed 26656838; PubMed 28413910; PubMed 38117424.